The following is an entry in ClinVar:

ClinVar aggregate classification (germline): Benign. Review status: criteria provided, multiple submitters, no conflicts (2 of 4 stars). 3 submissions from 3 submitters: Benign (2). 1 of the submissions does not count toward it. Last evaluated 2021-05-04.

Conditions:
CABIN1-related disorder. Also called: CABIN1-related condition.

Allele frequency attached by ClinVar (database versions not stated): 1000 Genomes Project 30x 0.00796; 1000 Genomes Project 0.00799; TOPMed 0.01235; ESP Exome Variant Server 0.01299; ExAC 0.01778; gnomAD 0.01867 and 0.01942; gnomAD exomes 0.01906 and 0.01979.
gnomAD v4.1: 31,527 of 1,613,846 alleles (2%); highest among the groups gnomAD compares: Non-Finnish European, 2%; 454 homozygotes.

Submissions (3):

GeneDx
Classification: Benign. Last evaluated: 2021-05-04. Review status: criteria provided, single submitter. Criteria: GeneDx Variant Classification Process June 2021. Collection method: clinical testing. Allele origin: germline. Affected: yes.

Breakthrough Genomics
Classification: Benign. Review status: criteria provided, single submitter. Criteria: ACMG Guidelines, 2015. Collection method: not provided. Allele origin: germline. Inheritance: Unknown mechanism. Affected: yes.

PreventionGenetics, part of Exact Sciences
Classification: Benign for CABIN1-related condition. Last evaluated: 2019-02-27. Review status: no assertion criteria provided. Collection method: clinical testing. Allele origin: germline. Not counted in ClinVar's aggregate classification.
Comment: This variant is classified as benign based on ACMG/AMP sequence variant interpretation guidelines (Richards et al. 2015 PMID: 25741868, with internal and published modifications).

NM_012295.4(CABIN1):c.3728G>A (p.Arg1243His)

Gene: CABIN1 (calcineurin binding protein 1; plus strand). Cytogenetic location: 22q11.23.
Variant type: single nucleotide variant.
Coding change: c.3728G>A on transcript NM_012295.4 (MANE Select); coding-DNA position 3728, G replaced by A.
Protein change: p.Arg1243His; replaces arginine 1243 with histidine.
Molecular consequence: missense variant.
Genome position (GRCh38, 1-based): chr22:24,091,785, G>A. VCF-style: chr22-24091785-G-A. GRCh37 (hg19) VCF-style: chr22-24487739-G-A.
Other names: c.3728G>A, p.Arg1243His (NM_001199281.1); c.3578G>A, p.Arg1193His (NM_001201429.2); short protein forms R1193H, R1243H.
Identifiers: ClinVar variation 1182869 (VCV001182869.5), dbSNP rs117908385, ClinGen allele CA10149244.